The following is an entry in ClinVar:

ClinVar aggregate classification (germline): Likely pathogenic (1 of 4 stars; one submission).

Conditions:
Townes-Brocks syndrome 1 (TBS1). Also called: REAR SYNDROME; RENAL-EAR-ANAL-RADIAL SYNDROME; SALL1-Related Townes-Brocks Syndrome; DEAFNESS, SENSORINEURAL, WITH IMPERFORATE ANUS AND THUMB ANOMALIES. Identifiers: Orphanet 857, MedGen C4551481, MONDO:0054581, OMIM 107480.

Submission:

3billion
Classification: Likely pathogenic for Townes-Brocks syndrome 1. Last evaluated: 2022-01-03. Review status: criteria provided, single submitter. Criteria: ACMG Guidelines, 2015. Collection method: clinical testing. Allele origin: germline. Affected: yes. Observed: 1 heterozygote.
Comment: Frameshift: predicted to result in a loss or disruption of normal protein function through protein truncation. The predicted truncated protein may be shortened by more than 10% (PVS1_S). It is not observed in the gnomAD v2.1.1 dataset (PM2_M). Therefore, this variant is classified as likely pathogenic according to the recommendation of ACMG/AMP guideline.

NM_002968.3(SALL1):c.3381del (p.Arg1128fs)

Gene: SALL1 (spalt like transcription factor 1; minus strand). Cytogenetic location: 16q12.1.
Variant type: Deletion.
Coding change: c.3381del on transcript NM_002968.3 (MANE Select); coding-DNA position 3381, one base deleted (C; older notation c.3381delC).
Protein change: p.Arg1128fs; shifts the reading frame from arginine 1128.
Molecular consequence: frameshift variant.
Genome position (GRCh38, 1-based): chr16:51,138,841, G deleted on the plus strand (C on the coding strand, the reverse complement: SALL1 is on the minus strand); the first of 3 consecutive G bases (chr16:51,138,841-51,138,843); deleting any one gives the same sequence. VCF-style (leftmost placement, unchanged base first): chr16-51138840-TG-T. GRCh37 (hg19) VCF-style: chr16-51172751-TG-T.
Other names: c.3090del, p.Arg1031fs (NM_001127892.2); short protein forms R1031fs, R1128fs.
Identifiers: ClinVar variation 1333617 (VCV001333617.1), dbSNP rs2143436744, ClinGen allele CA2573054235.